The following is an entry in ClinVar:

ClinVar aggregate classification (germline): Conflicting classifications of pathogenicity. Review status: criteria provided, conflicting classifications (1 of 4 stars). 2 submissions from 2 submitters: Uncertain significance (1); Likely benign (1). Last evaluated 2022-05-16.

Conditions:
MOGS-congenital disorder of glycosylation. Also called: CDG IIb; CDG 2B; MOGS-CDG; GLUCOSIDASE I DEFICIENCY. Identifiers: Orphanet 79330, MedGen C1853736, MONDO:0011629, OMIM 606056.

Allele frequency attached by ClinVar (database versions not stated): TOPMed 0.00001; gnomAD exomes 0.00004; ExAC 0.00005; gnomAD 0.00005.
gnomAD v4.1: 44 of 1,614,058 alleles (0.0027%); highest among the groups gnomAD compares: East Asian, 0.018%; no homozygotes.

Submissions (2):

Labcorp Genetics (formerly Invitae), Labcorp
Classification: Uncertain significance for MOGS-congenital disorder of glycosylation. Last evaluated: 2022-05-16. Review status: criteria provided, single submitter. Criteria: Invitae Variant Classification Sherloc (09022015). Collection method: clinical testing. Allele origin: germline.
Comment: In summary, the available evidence is currently insufficient to determine the role of this variant in disease. Therefore, it has been classified as a Variant of Uncertain Significance. Algorithms developed to predict the effect of missense changes on protein structure and function output the following: SIFT: "Tolerated"; PolyPhen-2: "Benign"; Align-GVGD: "Class C0". The glutamine amino acid residue is found in multiple mammalian species, which suggests that this missense change does not adversely affect protein function. ClinVar contains an entry for this variant (Variation ID: 382421). This variant has not been reported in the literature in individuals affected with MOGS-related conditions. This variant is present in population databases (rs774648411, gnomAD 0.01%). This sequence change replaces arginine, which is basic and polar, with glutamine, which is neutral and polar, at codon 779 of the MOGS protein (p.Arg779Gln).

GeneDx
Classification: Likely benign. Last evaluated: 2016-02-04. Review status: criteria provided, single submitter. Criteria: GeneDx Variant Classification (06012015). Collection method: clinical testing. Allele origin: germline. Affected: yes.
Comment: This variant is considered likely benign or benign based on one or more of the following criteria: it is a conservative change, it occurs at a poorly conserved position in the protein, it is predicted to be benign by multiple in silico algorithms, and/or has population frequency not consistent with disease.

NM_006302.3(MOGS):c.2336G>A (p.Arg779Gln)

Gene: MOGS (mannosyl-oligosaccharide glucosidase; minus strand). Cytogenetic location: 2p13.1.
Variant type: single nucleotide variant.
Coding change: c.2336G>A on transcript NM_006302.3 (MANE Select); coding-DNA position 2336, G replaced by A.
Protein change: p.Arg779Gln; replaces arginine 779 with glutamine.
Molecular consequence: missense variant.
Genome position (GRCh38, 1-based): chr2:74,461,453, C>T on the plus strand (G>A on the coding strand, the complement: MOGS is on the minus strand). VCF-style: chr2-74461453-C-T. GRCh37 (hg19) VCF-style: chr2-74688580-C-T.
Other names: c.2336G>A, p.Arg779Gln (LRG_1226t1); c.2018G>A, p.Arg673Gln (NM_001146158.2); short protein forms R779Q, R673Q.
Identifiers: ClinVar variation 382421 (VCV000382421.6), dbSNP rs774648411, ClinGen allele CA1724609.